The following is an entry in ClinVar:

ClinVar aggregate classification (germline): Uncertain significance (1 of 4 stars; one submission).

gnomAD v4.1: 5 of 1,448,856 alleles (0.00035%); highest among the groups gnomAD compares: Admixed American, 0.0017%; no homozygotes.

Submission:

Labcorp Genetics (formerly Invitae), Labcorp
Classification: Uncertain significance. Last evaluated: 2025-06-17. Review status: criteria provided, single submitter. Criteria: Invitae Variant Classification Sherloc (09022015). Collection method: clinical testing. Allele origin: germline.
Comment: This sequence change replaces isoleucine, which is neutral and non-polar, with valine, which is neutral and non-polar, at codon 594 of the PHF21A protein (p.Ile594Val). This variant is present in population databases (rs200410948, gnomAD 0.003%). This variant has not been reported in the literature in individuals affected with PHF21A-related conditions. Invitae Evidence Modeling of protein sequence and biophysical properties (such as structural, functional, and spatial information, amino acid conservation, physicochemical variation, residue mobility, and thermodynamic stability) indicates that this missense variant is not expected to disrupt PHF21A protein function with a negative predictive value of 80%. Algorithms developed to predict the effect of sequence changes on RNA splicing suggest that this variant may create or strengthen a splice site. In summary, the available evidence is currently insufficient to determine the role of this variant in disease. Therefore, it has been classified as a Variant of Uncertain Significance.

NM_001352027.3(PHF21A):c.1783A>G (p.Ile595Val)

Gene: PHF21A (PHD finger protein 21A; minus strand). Cytogenetic location: 11p11.2.
Variant type: single nucleotide variant.
Coding change: c.1783A>G on transcript NM_001352027.3 (MANE Select); coding-DNA position 1783, A replaced by G.
Protein change: p.Ile595Val; replaces isoleucine 595 with valine.
Molecular consequence: missense variant. On other transcripts: non-coding transcript variant (2).
Genome position (GRCh38, 1-based): chr11:45,935,641, T>C on the plus strand (A>G on the coding strand, the complement: PHF21A is on the minus strand). VCF-style: chr11-45935641-T-C. GRCh37 (hg19) VCF-style: chr11-45957192-T-C.
Other names: c.1780A>G, p.Ile594Val (NM_001101802.3); c.1783A>G, p.Ile595Val (NM_001352025.3, NM_001352026.3, NM_001441170.1); c.1642A>G, p.Ile548Val (NM_001352028.1, NM_001352029.1, NM_016621.5); c.1639A>G, p.Ile547Val (NM_001352030.3, NM_001352031.3, NM_001352032.3); c.1804A>G, p.Ile602Val (NM_001441167.1, NM_001441168.1); c.1801A>G, p.Ile601Val (NM_001441169.1); c.1624A>G, p.Ile542Val (NM_001441171.1); c.1531A>G, p.Ile511Val (NM_001441172.1); short protein forms I547V, I548V, I601V, I602V, I595V, I511V, I542V, I594V.
Identifiers: ClinVar variation 4703316 (VCV004703316.1).